The following is an entry in ClinVar:

NM_006420.3(ARFGEF2):c.4812G>A (p.Lys1604=)

Gene: ARFGEF2 (ARF guanine nucleotide exchange factor 2; plus strand). Cytogenetic location: 20q13.13.
Variant type: single nucleotide variant.
Coding change: c.4812G>A on transcript NM_006420.3 (MANE Select); coding-DNA position 4812, G replaced by A.
Protein change: p.Lys1604=; no amino-acid change (lysine 1604 retained).
Molecular consequence: synonymous variant.
Genome position (GRCh38, 1-based): chr20:49,025,369, G>A. VCF-style: chr20-49025369-G-A. GRCh37 (hg19) VCF-style: chr20-47641906-G-A.
Identifiers: ClinVar variation 210243 (VCV000210243.56), dbSNP rs142036030, ClinGen allele CA208318.
Genomic context (GRCh38, chr20:49,025,369, plus strand): 5'-CTAGCAAGACACGCTGGATGCAGATATCCACATAGAGACGGAGGATCAGGGCATGTATAA[G>A]TACATGTCTTCCCAGCACCTCTTCAAGCTGTTGGACTGTTTGCAGGAATCCCATTCATTC-3'
Protein context (NP_006411.2, residues 1594-1614): HIETEDQGMY[Lys1604=]YMSSQHLFKL

ClinVar aggregate classification (germline): Likely benign. Review status: criteria provided, multiple submitters, no conflicts (2 of 4 stars). 4 submissions from 4 submitters: Likely benign (3). 1 of the submissions does not count toward it. Last evaluated 2025-12-09.

Conditions:
ARFGEF2-related disorder. Also called: ARFGEF2-related condition.

Allele frequency attached by ClinVar (database versions not stated): ExAC 0.00009; gnomAD 0.00012 and 0.00014; gnomAD exomes 0.00014 and 0.00027; TOPMed 0.00015; ESP Exome Variant Server 0.00031.
gnomAD v4.1: 403 of 1,613,888 alleles (0.025%); highest among the groups gnomAD compares: Non-Finnish European, 0.032%; no homozygotes.

Submissions (4):

Labcorp Genetics (formerly Invitae), Labcorp
Classification: Likely benign. Last evaluated: 2025-12-09. Review status: criteria provided, single submitter. Criteria: Invitae Variant Classification Sherloc (09022015). Collection method: clinical testing. Allele origin: germline.

CeGaT Center for Human Genetics Tuebingen
Classification: Likely benign. Last evaluated: 2025-09-01. Review status: criteria provided, single submitter. Criteria: CeGaT Center For Human Genetics Tuebingen Variant Classification Criteria Version 2. Collection method: clinical testing. Allele origin: germline. Affected: yes. Observed: 2 variant alleles.
Comment: ARFGEF2: BP4, BP7

Genetic Services Laboratory, University of Chicago
Classification: Likely benign. Last evaluated: 2015-10-20. Review status: criteria provided, single submitter. Criteria: ACMG Guidelines, 2015. Collection method: clinical testing. Allele origin: germline. Affected: no.

PreventionGenetics, part of Exact Sciences
Classification: Likely benign for ARFGEF2-related condition. Last evaluated: 2019-10-28. Review status: no assertion criteria provided. Collection method: clinical testing. Allele origin: germline. Not counted in ClinVar's aggregate classification.
Comment: This variant is classified as likely benign based on ACMG/AMP sequence variant interpretation guidelines (Richards et al. 2015 PMID: 25741868, with internal and published modifications).